The following is an entry in ClinVar:

NM_006767.4(LZTR1):c.138G>A (p.Gly46=)

Gene: LZTR1 (leucine zipper like post translational regulator 1; plus strand). Cytogenetic location: 22q11.21.
Variant type: single nucleotide variant.
Coding change: c.138G>A on transcript NM_006767.4 (MANE Select); coding-DNA position 138, G replaced by A.
Protein change: p.Gly46=; no amino-acid change (glycine 46 retained).
Molecular consequence: synonymous variant.
Genome position (GRCh38, 1-based): chr22:20,982,509, G>A. VCF-style: chr22-20982509-G-A. GRCh37 (hg19) VCF-style: chr22-21336798-G-A.
Identifiers: ClinVar variation 1095011 (VCV001095011.38), dbSNP rs977844214, ClinGen allele CA322316185.

ClinVar aggregate classification (germline): Likely benign. Review status: criteria provided, multiple submitters, no conflicts (2 of 4 stars). 6 submissions from 6 submitters: Likely benign (5). 1 of the submissions does not count toward it. Last evaluated 2025-10-27.

Conditions:
LZTR1-related disorder. Also called: LZTR1-related disorders; LZTR1-related condition.
Hereditary cancer-predisposing syndrome. Also called: Neoplastic Syndromes, Hereditary; Tumor predisposition; Hereditary neoplastic syndrome; Hereditary Cancer Syndrome. Identifiers: Orphanet 140162, MedGen C0027672, MeSH D009386, MONDO:0015356.
Cardiovascular phenotype. Identifiers: MedGen CN230736.

Allele frequency attached by ClinVar (database versions not stated): gnomAD exomes 0.00002; TOPMed 0.00002; gnomAD 0.00003.
gnomAD v4.1: 40 of 1,613,002 alleles (0.0025%); highest among the groups gnomAD compares: Non-Finnish European, 0.0031%; no homozygotes.

Submissions (6):

Labcorp Genetics (formerly Invitae), Labcorp
Classification: Likely benign. Last evaluated: 2025-10-27. Review status: criteria provided, single submitter. Criteria: Invitae Variant Classification Sherloc (09022015). Collection method: clinical testing. Allele origin: germline.

Women's Health and Genetics/Laboratory Corporation of America, LabCorp
Classification: Likely benign. Last evaluated: 2024-01-28. Review status: criteria provided, single submitter. Criteria: LabCorp Variant Classification Summary - May 2015. Collection method: clinical testing. Allele origin: germline.

CeGaT Center for Human Genetics Tuebingen
Classification: Likely benign. Last evaluated: 2023-05-01. Review status: criteria provided, single submitter. Criteria: CeGaT Center For Human Genetics Tuebingen Variant Classification Criteria Version 2. Collection method: clinical testing. Allele origin: germline. Affected: yes. Observed: 1 variant allele.
Comment: LZTR1: BP4, BP7

Blueprint Genetics
Classification: Likely benign. Last evaluated: 2021-10-14. Review status: criteria provided, single submitter. Criteria: ACMG Guidelines, 2015. Collection method: clinical testing. Allele origin: germline.

Ambry Genetics
Classification: Likely benign for Cardiovascular phenotype; Hereditary cancer-predisposing syndrome. Last evaluated: 2020-12-21. Review status: criteria provided, single submitter. Criteria: Ambry Variant Classification Scheme 2023. Collection method: clinical testing. Allele origin: germline.

PreventionGenetics, part of Exact Sciences
Classification: Likely benign for LZTR1-related condition. Last evaluated: 2020-08-13. Review status: no assertion criteria provided. Collection method: clinical testing. Allele origin: germline. Not counted in ClinVar's aggregate classification.
Comment: This variant is classified as likely benign based on ACMG/AMP sequence variant interpretation guidelines (Richards et al. 2015 PMID: 25741868, with internal and published modifications).